The following is an entry in ClinVar:

NM_015884.4(MBTPS2):c.460G>A (p.Val154Ile)

Gene: MBTPS2 (membrane bound transcription factor peptidase, site 2; plus strand). Cytogenetic location: Xp22.12.
Variant type: single nucleotide variant.
Coding change: c.460G>A on transcript NM_015884.4 (MANE Select); coding-DNA position 460, G replaced by A.
Protein change: p.Val154Ile; replaces valine 154 with isoleucine.
Molecular consequence: missense variant.
Genome position (GRCh38, 1-based): chrX:21,851,530, G>A. VCF-style: chrX-21851530-G-A. GRCh37 (hg19) VCF-style: chrX-21869648-G-A.
Other names: c.460G>A (NM_015884.3); short protein forms V154I.
Identifiers: ClinVar variation 3605796 (VCV003605796.3).

ClinVar aggregate classification (germline): Conflicting classifications of pathogenicity. Review status: criteria provided, conflicting classifications (1 of 4 stars). 2 submissions from 2 submitters: Uncertain significance (1); Likely benign (1). Last evaluated 2025-10-22.

Conditions:
Inborn genetic diseases. Identifiers: MedGen C0950123, MeSH D030342.

gnomAD v4.1: 27 of 1,203,301 alleles (0.0022%); highest among the groups gnomAD compares: African/African-American, 0.035%; no homozygotes.

Submissions (2):

Labcorp Genetics (formerly Invitae), Labcorp
Classification: Uncertain significance. Last evaluated: 2025-10-22. Review status: criteria provided, single submitter. Criteria: Invitae Variant Classification Sherloc (09022015). Collection method: clinical testing. Allele origin: germline.
Comment: This sequence change replaces valine, which is neutral and non-polar, with isoleucine, which is neutral and non-polar, at codon 154 of the MBTPS2 protein (p.Val154Ile). The frequency data for this variant in the population databases is considered unreliable, as metrics indicate poor data quality at this position in the gnomAD database. This variant has not been reported in the literature in individuals affected with MBTPS2-related conditions. ClinVar contains an entry for this variant (Variation ID: 3605796). Invitae Evidence Modeling of protein sequence and biophysical properties (such as structural, functional, and spatial information, amino acid conservation, physicochemical variation, residue mobility, and thermodynamic stability) indicates that this missense variant is not expected to disrupt MBTPS2 protein function with a negative predictive value of 95%. In summary, the available evidence is currently insufficient to determine the role of this variant in disease. Therefore, it has been classified as a Variant of Uncertain Significance.

Ambry Genetics
Classification: Likely benign for Inborn genetic diseases. Last evaluated: 2025-02-28. Review status: criteria provided, single submitter. Criteria: Ambry Variant Classification Scheme 2023. Collection method: clinical testing. Allele origin: germline.